The following is an entry in ClinVar:

NM_002471.4(MYH6):c.3452G>A (p.Arg1151Gln)

Gene: MYH6 (myosin heavy chain 6; minus strand). Cytogenetic location: 14q11.2.
Variant type: single nucleotide variant.
Coding change: c.3452G>A on transcript NM_002471.4 (MANE Select); coding-DNA position 3452, G replaced by A.
Protein change: p.Arg1151Gln; replaces arginine 1151 with glutamine.
Molecular consequence: missense variant.
Genome position (GRCh38, 1-based): chr14:23,390,337, C>T on the plus strand (G>A on the coding strand, the complement: MYH6 is on the minus strand). VCF-style: chr14-23390337-C-T. GRCh37 (hg19) VCF-style: chr14-23859546-C-T.
Other names: short protein forms R1151Q.
Identifiers: ClinVar variation 470524 (VCV000470524.8), dbSNP rs745406670, ClinGen allele CA7115175.

ClinVar aggregate classification (germline): Uncertain significance (1 of 4 stars; one submission).

Conditions:
Hypertrophic cardiomyopathy 14. Identifiers: MedGen C2750467, MONDO:0013197, OMIM 613251.

Allele frequency attached by ClinVar (database versions not stated): TOPMed below 0.00001; gnomAD 0.00001; ExAC 0.00002; gnomAD exomes 0.00002 and 0.00003.
gnomAD v4.1: 44 of 1,608,168 alleles (0.0027%); highest among the groups gnomAD compares: South Asian, 0.0055%; no homozygotes.

Submission:

Labcorp Genetics (formerly Invitae), Labcorp
Classification: Uncertain significance for Hypertrophic cardiomyopathy 14. Last evaluated: 2024-08-21. Review status: criteria provided, single submitter. Criteria: Invitae Variant Classification Sherloc (09022015). Collection method: clinical testing. Allele origin: germline.
Comment: This sequence change replaces arginine, which is basic and polar, with glutamine, which is neutral and polar, at codon 1151 of the MYH6 protein (p.Arg1151Gln). This variant is present in population databases (rs745406670, gnomAD 0.01%). This variant has not been reported in the literature in individuals affected with MYH6-related conditions. ClinVar contains an entry for this variant (Variation ID: 470524). Invitae Evidence Modeling of protein sequence and biophysical properties (such as structural, functional, and spatial information, amino acid conservation, physicochemical variation, residue mobility, and thermodynamic stability) has been performed for this missense variant. However, the output from this modeling did not meet the statistical confidence thresholds required to predict the impact of this variant on MYH6 protein function. In summary, the available evidence is currently insufficient to determine the role of this variant in disease. Therefore, it has been classified as a Variant of Uncertain Significance.